The following is an entry in ClinVar:

NC_000021.8:g.(?_46925761)_(46927915_?)del

Gene: COL18A1 (collagen type XVIII alpha 1 chain; plus strand). Cytogenetic location: 21q22.3.
Variant type: Deletion.
Identifiers: ClinVar variation 2427194 (VCV002427194.4).

ClinVar aggregate classification (germline): Likely pathogenic (1 of 4 stars; one submission).

Submission:

Labcorp Genetics (formerly Invitae), Labcorp
Classification: Likely pathogenic. Last evaluated: 2022-03-13. Review status: criteria provided, single submitter. Criteria: Invitae Variant Classification Sherloc (09022015). Collection method: clinical testing. Allele origin: germline.
Comment: In summary, the currently available evidence indicates that the variant is pathogenic, but additional data are needed to prove that conclusively. Therefore, this variant has been classified as Likely Pathogenic. This variant has not been reported in the literature in individuals affected with COL18A1-related conditions. This variant results in the deletion of exon 38 and part of exon 37 (c.3091_3240+411del) of the COL18A1 gene. It is expected to disrupt RNA splicing. Variants that disrupt the donor or acceptor splice site typically lead to a loss of protein function (PMID: 16199547), and loss-of-function variants in COL18A1 are known to be pathogenic (PMID: 12415512, 25456301).

Literature cited by the submitters: PubMed 16199547; PubMed 12415512; PubMed 25456301.